The following is an entry in ClinVar:

NM_001267550.2(TTN):c.78892G>A (p.Gly26298Arg)

Genes: TTN (titin; minus strand), TTN-AS1 (TTN antisense RNA 1; plus strand). Cytogenetic location: 2q31.2.
Variant type: single nucleotide variant.
Coding change: c.78892G>A on transcript NM_001267550.2 (MANE Select); coding-DNA position 78892, G replaced by A.
Protein change: p.Gly26298Arg; replaces glycine 26298 with arginine.
Molecular consequence: missense variant.
Genome position (GRCh38, 1-based): chr2:178,567,240, C>T on the plus strand (G>A on the coding strand, the complement: TTN is on the minus strand). VCF-style: chr2-178567240-C-T. GRCh37 (hg19) VCF-style: chr2-179431967-C-T.
Other names: p.G24657R:GGA>AGA; c.73969G>A, p.Gly24657Arg (NM_001256850.1); c.71188G>A, p.Gly23730Arg (NM_133378.4); c.51697G>A, p.Gly17233Arg (NM_003319.4); c.52072G>A, p.Gly17358Arg (NM_133432.3); c.52273G>A, p.Gly17425Arg (NM_133437.4); short protein forms G26298R, G23730R, G24657R, G17233R, G17425R, G17358R.
Identifiers: ClinVar variation 47368 (VCV000047368.69), dbSNP rs72648205, ClinGen allele CA140814.

ClinVar aggregate classification (germline): Conflicting classifications of pathogenicity. Review status: criteria provided, conflicting classifications (1 of 4 stars). 20 submissions from 16 submitters: Uncertain significance (6); Benign (4); Likely benign (9). 1 of the submissions does not count toward it. Last evaluated 2026-02-01.

Conditions:
TTN-related disorder. Also called: TTN-related condition; TTN-related disease; TTN-related disorders.
Cardiovascular phenotype. Identifiers: MedGen CN230736.
Dilated cardiomyopathy 1G (CMD1G). Identifiers: Orphanet 154, MedGen C1858763, MONDO:0011400, OMIM 604145.
Autosomal recessive limb-girdle muscular dystrophy type 2J (LGMDR10). Also called: Limb-girdle muscular dystrophy, type 2J; MUSCULAR DYSTROPHY, LIMB-GIRDLE, AUTOSOMAL RECESSIVE 10. Identifiers: Orphanet 140922, MedGen C1837342, MONDO:0012127, OMIM 608807.
Cardiomyopathy (CMYO). Also called: Cardiomyopathies. Identifiers: Orphanet 167848, MedGen C0878544, MONDO:0004994, HP:0001638. Inheritance: Various modes of inheritance.
Early-onset myopathy with fatal cardiomyopathy (CMYO5). Also called: Salih Myopathy; CONGENITAL MYOPATHY 5 WITH CARDIOMYOPATHY. Identifiers: Orphanet 289377, MedGen C2673677, MONDO:0012714, OMIM 611705. Disease mechanism: loss of function.
Myopathy, myofibrillar, 9, with early respiratory failure (MFM9). Also called: Hereditary myopathy with early respiratory failure; Myopathy, distal, with early respiratory failure, autosomal dominant; EDSTROM MYOPATHY; MYOPATHY, PROXIMAL, WITH EARLY RESPIRATORY MUSCLE INVOLVEMENT. Identifiers: Orphanet 178464, Orphanet 34521, MedGen C1863599, MONDO:0011362, OMIM 603689.
Tibial muscular dystrophy (TMD). Also called: Udd Distal Myopathy – Tibial Muscular Dystrophy; Tibial muscular dystrophy, tardive; UDD MYOPATHY. Identifiers: Orphanet 609, MedGen C1838244, MONDO:0010870, OMIM 600334.
Premature ventricular contraction. Also called: Ventricular extrasystoles. Identifiers: MedGen C0151636, HP:0006682.

Allele frequency attached by ClinVar (database versions not stated): ExAC 0.00027; gnomAD exomes 0.00028 and 0.00035; gnomAD 0.00035 and 0.00036; TOPMed 0.00035; ESP Exome Variant Server 0.00050.
gnomAD v4.1: 468 of 1,607,864 alleles (0.029%); highest among the groups gnomAD compares: Non-Finnish European, 0.03%; 2 homozygotes.

Submissions (20):

CeGaT Center for Human Genetics Tuebingen
Classification: Uncertain significance. Last evaluated: 2026-02-01. Review status: criteria provided, single submitter. Criteria: CeGaT Center For Human Genetics Tuebingen Variant Classification Criteria Version 2. Collection method: clinical testing. Allele origin: germline. Affected: yes. Observed: 6 variant alleles.

ARUP Laboratories, Molecular Genetics and Genomics, ARUP Laboratories
Classification: Likely benign. Last evaluated: 2025-04-09. Review status: criteria provided, single submitter. Criteria: ARUP Molecular Germline Variant Investigation Process 2024. Collection method: clinical testing. Allele origin: germline.

Molecular Diagnostic Laboratory for Inherited Cardiovascular Disease, Montreal Heart Institute
Classification: Likely benign. Last evaluated: 2025-04-09. Review status: criteria provided, single submitter. Criteria: ACMG Guidelines, 2015. Collection method: clinical testing. Allele origin: germline. Affected: no.

Mayo Clinic Laboratories, Mayo Clinic
Classification: Likely benign. Last evaluated: 2025-04-08. Review status: criteria provided, single submitter. Criteria: ACMG Guidelines, 2015. Collection method: clinical testing. Allele origin: germline. Observed: 4 variant alleles.
Comment: BS1

Blueprint Genetics
Classification: Likely benign. Last evaluated: 2024-11-26. Review status: criteria provided, single submitter. Criteria: ACMG Guidelines, 2015. Collection method: clinical testing. Allele origin: germline.

Revvity Omics, Revvity
Classification: Likely benign. Last evaluated: 2023-11-30. Review status: criteria provided, single submitter. Criteria: ACMG Guidelines, 2015. Collection method: clinical testing. Allele origin: germline.

CHEO Genetics Diagnostic Laboratory, Children's Hospital of Eastern Ontario
Classification: Benign for Cardiomyopathy. Last evaluated: 2021-09-30. Review status: criteria provided, single submitter. Criteria: ACMG Guidelines, 2015. Collection method: clinical testing. Allele origin: germline.

GeneDx
Classification: Likely benign. Last evaluated: 2021-05-17. Review status: criteria provided, single submitter. Criteria: GeneDx Variant Classification Process June 2021. Collection method: clinical testing. Allele origin: germline. Affected: yes.

Ambry Genetics
Classification: Likely benign for Cardiovascular phenotype. Last evaluated: 2020-04-21. Review status: criteria provided, single submitter. Criteria: Ambry Autosomal Dominant and X-Linked criteria (2/2020). Collection method: clinical testing. Allele origin: germline. Observed: 1 variant allele.
Comment: In silico models in agreement (benign);Subpopulation frequency in support of benign classification

Laboratory for Molecular Medicine, Mass General Brigham Personalized Medicine
Classification: Likely benign. Last evaluated: 2020-04-02. Review status: criteria provided, single submitter. Criteria: LMM Criteria. Collection method: clinical testing. Allele origin: germline. Observed: 4 variant alleles.
Comment: The p.Gly23730Arg variant in TTN is classified as likely benign because it has been identified in 0.3% (25/9884) of Ashkenazi Jewish chromosomes and 0.05% (59/125924) of European chromosomes, including 1 homozygote, by gnomAD. This variant has been identified in our laboratory in 4 individuals with hypertrophic cardiomyopathy (HCM); for 2 of these individuals, a pathogenic variant in another HCM causing gene was identified that explains the clinical presentation. ACMG/AMP Criteria applied: BS1, BP5.

Athena Diagnostics
Classification: Benign. Last evaluated: 2019-06-13. Review status: criteria provided, single submitter. Criteria: Athena Diagnostics Criteria. Collection method: clinical testing. Allele origin: germline.

Center for Advanced Laboratory Medicine, UC San Diego Health, University of California San Diego
Classification: Likely benign for Premature ventricular contraction. Last evaluated: 2019-03-25. Review status: criteria provided, single submitter. Criteria: ACMG Guidelines, 2015. Collection method: clinical testing. Allele origin: germline. Affected: yes. Observed: 2 variant alleles.

Eurofins Ntd Llc (ga)
Classification: Uncertain significance. Last evaluated: 2018-06-29. Review status: criteria provided, single submitter. Criteria: EGL ClinVar v180209 classification definitions. Collection method: clinical testing. Allele origin: germline. Observed: 13 variant alleles, 12 heterozygotes, 1 homozygote.

Illumina Laboratory Services, Illumina
Classification: Uncertain significance for Early-onset myopathy with fatal cardiomyopathy. Last evaluated: 2018-01-13. Review status: criteria provided, single submitter. Criteria: ICSL Variant Classification Criteria 13 December 2019. Collection method: clinical testing. Allele origin: germline.

Illumina Laboratory Services, Illumina
Classification: Uncertain significance for Autosomal recessive limb-girdle muscular dystrophy type 2J. Last evaluated: 2018-01-13. Review status: criteria provided, single submitter. Criteria: ICSL Variant Classification Criteria 13 December 2019. Collection method: clinical testing. Allele origin: germline.

Illumina Laboratory Services, Illumina
Classification: Benign for Tibial muscular dystrophy. Last evaluated: 2018-01-13. Review status: criteria provided, single submitter. Criteria: ICSL Variant Classification Criteria 13 December 2019. Collection method: clinical testing. Allele origin: germline.
Comment: This variant was observed in the ICSL laboratory as part of a predisposition screen in an ostensibly healthy population. It had not been previously curated by ICSL or reported in the Human Gene Mutation Database (HGMD: prior to June 1st, 2018), and was therefore a candidate for classification through an automated scoring system. Utilizing variant allele frequency, disease prevalence and penetrance estimates, and inheritance mode, an automated score was calculated to assess if this variant is too frequent to cause the disease. Based on the score and internal cut-off values, a variant classified as benign is not then subjected to further curation. The score for this variant resulted in a classification of benign for this disease.

Illumina Laboratory Services, Illumina
Classification: Uncertain significance for Dilated cardiomyopathy 1G. Last evaluated: 2018-01-13. Review status: criteria provided, single submitter. Criteria: ICSL Variant Classification Criteria 13 December 2019. Collection method: clinical testing. Allele origin: germline.

Illumina Laboratory Services, Illumina
Classification: Benign for Myopathy, myofibrillar, 9, with early respiratory failure. Last evaluated: 2018-01-13. Review status: criteria provided, single submitter. Criteria: ICSL Variant Classification Criteria 13 December 2019. Collection method: clinical testing. Allele origin: germline.
Comment: the same text as in the submission from Illumina Laboratory Services, Illumina above.

Labcorp Genetics (formerly Invitae), Labcorp
Classification: Uncertain significance for Dilated cardiomyopathy 1G; Autosomal recessive limb-girdle muscular dystrophy type 2J. Last evaluated: 2017-09-18. Review status: criteria provided, single submitter. Criteria: Invitae Variant Classification Sherloc (09022015). Collection method: clinical testing. Allele origin: germline.

PreventionGenetics, part of Exact Sciences
Classification: Likely benign for TTN-related condition. Last evaluated: 2024-02-02. Review status: no assertion criteria provided. Collection method: clinical testing. Allele origin: germline. Not counted in ClinVar's aggregate classification.
Comment: This variant is classified as likely benign based on ACMG/AMP sequence variant interpretation guidelines (Richards et al. 2015 PMID: 25741868, with internal and published modifications).

Literature cited by the submitters: PubMed 28831623 (cited by Mayo Clinic Laboratories, Mayo Clinic and Athena Diagnostics); PubMed 30847666 (cited by Mayo Clinic Laboratories, Mayo Clinic); PubMed 34389451 (cited by Mayo Clinic Laboratories, Mayo Clinic); PubMed 38612618 (cited by Mayo Clinic Laboratories, Mayo Clinic).